The following is an entry in ClinVar:

ClinVar aggregate classification (germline): Likely benign (1 of 4 stars; one submission).

Allele frequency attached by ClinVar (database versions not stated): ExAC 0.00003; gnomAD exomes 0.00003 and 0.00006; gnomAD 0.00005; TOPMed 0.00005.

Submission:

GeneDx
Classification: Likely benign. Last evaluated: 2016-08-10. Review status: criteria provided, single submitter. Criteria: GeneDx Variant Classification (06012015). Collection method: clinical testing. Allele origin: germline. Affected: yes.
Comment: This variant is considered likely benign or benign based on one or more of the following criteria: it is a conservative change, it occurs at a poorly conserved position in the protein, it is predicted to be benign by multiple in silico algorithms, and/or has population frequency not consistent with disease.

NM_002408.4(MGAT2):c.*11T>C

Gene: MGAT2 (alpha-1,6-mannosyl-glycoprotein 2-beta-N-acetylglucosaminyltransferase; plus strand). Cytogenetic location: 14q21.3.
Variant type: single nucleotide variant.
Coding change: c.*11T>C on transcript NM_002408.4 (MANE Select); 11 bases downstream of the stop codon, T replaced by C.
Molecular consequence: 3 prime UTR variant.
Genome position (GRCh38, 1-based): chr14:49,622,623, T>C. VCF-style: chr14-49622623-T-C. GRCh37 (hg19) VCF-style: chr14-50089341-T-C.
Identifiers: ClinVar variation 387938 (VCV000387938.1), dbSNP rs767497460, ClinGen allele CA7172673.